The following is an entry in ClinVar:

ClinVar aggregate classification (germline): Uncertain significance (1 of 4 stars; one submission).

Conditions:
Epidermolysis bullosa simplex 5C, with pyloric atresia (EBS5C). Also called: PLEC1-Related Epidermolysis Bullosa with Pyloric Atresia; Epidermolysis bullosa simplex with pyloric atresia; PLEC-Related Epidermolysis Bullosa with Pyloric Atresia. Identifiers: Orphanet 158684, MedGen C2677349, MONDO:0012807, OMIM 612138.
Epidermolysis bullosa simplex 5B, with muscular dystrophy (EBS5B). Also called: EPIDERMOLYSIS BULLOSA SIMPLEX AND LIMB-GIRDLE MUSCULAR DYSTROPHY; Epidermolysis bullosa simplex with muscular dystrophy. Identifiers: Orphanet 257, MedGen C2931072, MONDO:0009181, OMIM 226670.
Epidermolysis bullosa simplex with nail dystrophy (EBS5D). Identifiers: MedGen C4225309, MONDO:0014661, OMIM 616487.
Epidermolysis bullosa simplex, Ogna type (EBS5A). Also called: Pidermolysis bullosa simplex 5A, Ogna type; EPIDERMOLYSIS BULLOSA SIMPLEX 5A, OGNA TYPE. Identifiers: Orphanet 79401, MedGen C0432317, MONDO:0007555, OMIM 131950.
Autosomal recessive limb-girdle muscular dystrophy type 2Q (LGMDR17). Also called: MUSCULAR DYSTROPHY, LIMB-GIRDLE, AUTOSOMAL RECESSIVE 17. Identifiers: Orphanet 254361, MedGen C3150989, MONDO:0013390, OMIM 613723.

gnomAD v4.1: 4 of 1,613,962 alleles (0.00025%); highest among the groups gnomAD compares: East Asian, 0.0022%; no homozygotes.

Submission:

Labcorp Genetics (formerly Invitae), Labcorp
Classification: Uncertain significance for Autosomal recessive limb-girdle muscular dystrophy type 2Q; Epidermolysis bullosa simplex, Ogna type; Epidermolysis bullosa simplex with nail dystrophy; Epidermolysis bullosa simplex 5C, with pyloric atresia; Epidermolysis bullosa simplex 5B, with muscular dystrophy. Last evaluated: 2024-05-02. Review status: criteria provided, single submitter. Criteria: Invitae Variant Classification Sherloc (09022015). Collection method: clinical testing. Allele origin: germline.
Comment: This sequence change replaces serine, which is neutral and polar, with asparagine, which is neutral and polar, at codon 3522 of the PLEC protein (p.Ser3522Asn). This variant is present in population databases (no rsID available, gnomAD 0.006%). This variant has not been reported in the literature in individuals affected with PLEC-related conditions. ClinVar contains an entry for this variant (Variation ID: 1035947). Advanced modeling of protein sequence and biophysical properties (such as structural, functional, and spatial information, amino acid conservation, physicochemical variation, residue mobility, and thermodynamic stability) performed at Invitae indicates that this missense variant is not expected to disrupt PLEC protein function with a negative predictive value of 80%. In summary, the available evidence is currently insufficient to determine the role of this variant in disease. Therefore, it has been classified as a Variant of Uncertain Significance.

NM_201384.3(PLEC):c.10484G>A (p.Ser3495Asn)

Gene: PLEC (plectin; minus strand). Cytogenetic location: 8q24.3.
Variant type: single nucleotide variant.
Coding change: c.10484G>A on transcript NM_201384.3 (MANE Select); coding-DNA position 10484, G replaced by A.
Protein change: p.Ser3495Asn; replaces serine 3495 with asparagine.
Molecular consequence: missense variant.
Genome position (GRCh38, 1-based): chr8:143,919,337, C>T on the plus strand (G>A on the coding strand, the complement: PLEC is on the minus strand). VCF-style: chr8-143919337-C-T. GRCh37 (hg19) VCF-style: chr8-144993505-C-T.
Other names: c.10418G>A, p.Ser3473Asn (NM_201379.3); c.10895G>A, p.Ser3632Asn (NM_201380.4); c.10388G>A, p.Ser3463Asn (NM_201381.3); c.10484G>A, p.Ser3495Asn (NM_201382.4); c.10496G>A, p.Ser3499Asn (NM_201383.3); c.10565G>A, p.Ser3522Asn (NM_000445.5); c.10442G>A, p.Ser3481Asn (NM_201378.4); short protein forms S3481N, S3495N, S3473N, S3499N, S3463N, S3522N, S3632N.
Identifiers: ClinVar variation 1035947 (VCV001035947.5), dbSNP rs1554677925, ClinGen allele CA372498540.